The following is an entry in ClinVar:

ClinVar aggregate classification (germline): Uncertain significance (1 of 4 stars; one submission).

Submission:

GeneDx
Classification: Uncertain significance. Last evaluated: 2023-08-07. Review status: criteria provided, single submitter. Criteria: GeneDx Variant Classification Process June 2021. Collection method: clinical testing. Allele origin: germline. Affected: yes.
Comment: Not observed at significant frequency in large population cohorts (gnomAD); In silico analysis supports that this missense variant has a deleterious effect on protein structure/function; Has not been previously published as pathogenic or benign to our knowledge

NM_001291415.2(KDM6A):c.2990T>C (p.Leu997Ser)

Gene: KDM6A (lysine demethylase 6A; plus strand). Cytogenetic location: Xp11.3.
Variant type: single nucleotide variant.
Coding change: c.2990T>C on transcript NM_001291415.2 (MANE Select); coding-DNA position 2990, T replaced by C.
Protein change: p.Leu997Ser; replaces leucine 997 with serine.
Molecular consequence: missense variant. On other transcripts: non-coding transcript variant (1).
Genome position (GRCh38, 1-based): chrX:45,078,401, T>C. VCF-style: chrX-45078401-T-C. GRCh37 (hg19) VCF-style: chrX-44937646-T-C.
Other names: c.2855T>C, p.Leu952Ser (NM_001291416.2, NM_001419811.1); c.2699T>C, p.Leu900Ser (NM_001291417.2); c.2597T>C, p.Leu866Ser (NM_001291418.2, NM_001419815.1); c.1946T>C, p.Leu649Ser (NM_001291421.2); c.2732T>C, p.Leu911Ser (NM_001410742.1, NM_001419814.1); c.2990T>C, p.Leu997Ser (NM_001419809.1); c.2888T>C, p.Leu963Ser (NM_001419810.1, NM_001419813.1); c.2834T>C, p.Leu945Ser (NM_001419812.1, NM_021140.4); short protein forms L649S, L866S, L900S, L911S, L945S, L952S, L963S, L997S.
Identifiers: ClinVar variation 3361793 (VCV003361793.1).